The following is an entry in ClinVar:

ClinVar aggregate classification (germline): Uncertain significance. Review status: criteria provided, multiple submitters, no conflicts (2 of 4 stars). 2 submissions from 2 submitters: Uncertain significance (2). Last evaluated 2024-03-15.

Conditions:
Early-onset Parkinson disease 20. Also called: PARKINSON DISEASE 20, AUTOSOMAL RECESSIVE EARLY-ONSET. Identifiers: Orphanet 391411, MedGen C3809824, MONDO:0014233, OMIM 615530.
Developmental and epileptic encephalopathy, 53. Also called: Epileptic encephalopathy, early infantile, 53. Identifiers: MedGen C4479313, MONDO:0033362, OMIM 617389.

Allele frequency attached by ClinVar (database versions not stated): TOPMed 0.00001; ExAC 0.00002; gnomAD exomes 0.00002.
gnomAD v4.1: 5 of 1,614,120 alleles (0.00031%); highest among the groups gnomAD compares: East Asian, 0.0089%; no homozygotes.

Submissions (2):

Fulgent Genetics
Classification: Uncertain significance for Early-onset Parkinson disease 20; Developmental and epileptic encephalopathy, 53. Last evaluated: 2024-03-15. Review status: criteria provided, single submitter. Criteria: ACMG Guidelines, 2015. Collection method: clinical testing. Allele origin: germline.

Labcorp Genetics (formerly Invitae), Labcorp
Classification: Uncertain significance for Developmental and epileptic encephalopathy, 53; Early-onset Parkinson disease 20. Last evaluated: 2022-08-23. Review status: criteria provided, single submitter. Criteria: Invitae Variant Classification Sherloc (09022015). Collection method: clinical testing. Allele origin: germline.
Comment: This sequence change replaces proline, which is neutral and non-polar, with glutamine, which is neutral and polar, at codon 1111 of the SYNJ1 protein (p.Pro1111Gln). This variant is present in population databases (rs771524798, gnomAD 0.02%). This variant has not been reported in the literature in individuals affected with SYNJ1-related conditions. ClinVar contains an entry for this variant (Variation ID: 565611). Algorithms developed to predict the effect of missense changes on protein structure and function are either unavailable or do not agree on the potential impact of this missense change (SIFT: "Deleterious"; PolyPhen-2: "Benign"; Align-GVGD: "Class C0"). In summary, the available evidence is currently insufficient to determine the role of this variant in disease. Therefore, it has been classified as a Variant of Uncertain Significance.

NM_203446.3(SYNJ1):c.3215C>A (p.Pro1072Gln)

Gene: SYNJ1 (synaptojanin 1; minus strand). Cytogenetic location: 21q22.11.
Variant type: single nucleotide variant.
Coding change: c.3215C>A on transcript NM_203446.3 (MANE Select); coding-DNA position 3215, C replaced by A.
Protein change: p.Pro1072Gln; replaces proline 1072 with glutamine.
Molecular consequence: missense variant.
Genome position (GRCh38, 1-based): chr21:32,646,425, G>T on the plus strand (C>A on the coding strand, the complement: SYNJ1 is on the minus strand). VCF-style: chr21-32646425-G-T. GRCh37 (hg19) VCF-style: chr21-34018735-G-T.
Other names: c.3215C>A, p.Pro1072Gln (NM_001160302.2); c.3200C>A, p.Pro1067Gln (NM_001160306.2); c.3332C>A, p.Pro1111Gln (NM_003895.4); short protein forms P1111Q, P1067Q, P1072Q.
Identifiers: ClinVar variation 565611 (VCV000565611.9), dbSNP rs771524798, ClinGen allele CA10003483.
Genomic context (GRCh38, chr21:32,646,425, plus strand): 5'-ATACAAAACTTTCAAATAAAATGCATACTCTGTGCACTGGGAGGCCCAGGAGTTCTTGAC[G>T]GTGCTCGGCTTGGTCTGATGGGAAGGGAAGGTACAGGACCCTCTGATATTGTAGGTGACT-3'
Protein context (NP_982271.3, residues 1062-1082): PSLPIRPSRA[Pro1072Gln]SRTPGPPSAQ